The following is an entry in ClinVar:

ClinVar aggregate classification (germline): Uncertain significance (1 of 4 stars; one submission).

Allele frequency attached by ClinVar (database versions not stated): ExAC 0.00001.
gnomAD v4.1: 17 of 1,614,124 alleles (0.0011%); highest among the groups gnomAD compares: Middle Eastern, 0.017%; no homozygotes.

Submission:

Labcorp Genetics (formerly Invitae), Labcorp
Classification: Uncertain significance. Last evaluated: 2022-05-26. Review status: criteria provided, single submitter. Criteria: Invitae Variant Classification Sherloc (09022015). Collection method: clinical testing. Allele origin: germline.
Comment: This variant has not been reported in the literature in individuals affected with CRAT-related conditions. This variant is present in population databases (rs770546253, gnomAD 0.06%). This sequence change replaces glycine, which is neutral and non-polar, with alanine, which is neutral and non-polar, at codon 221 of the CRAT protein (p.Gly221Ala). Algorithms developed to predict the effect of missense changes on protein structure and function are either unavailable or do not agree on the potential impact of this missense change (SIFT: "Deleterious"; PolyPhen-2: "Probably Damaging"; Align-GVGD: "Class C0"). In summary, the available evidence is currently insufficient to determine the role of this variant in disease. Therefore, it has been classified as a Variant of Uncertain Significance.

NM_000755.5(CRAT):c.662G>C (p.Gly221Ala)

Gene: CRAT (carnitine O-acetyltransferase; minus strand). Cytogenetic location: 9q34.11.
Variant type: single nucleotide variant.
Coding change: c.662G>C on transcript NM_000755.5 (MANE Select); coding-DNA position 662, G replaced by C.
Protein change: p.Gly221Ala; replaces glycine 221 with alanine.
Molecular consequence: missense variant.
Genome position (GRCh38, 1-based): chr9:129,102,026, C>G on the plus strand (G>C on the coding strand, the complement: CRAT is on the minus strand). VCF-style: chr9-129102026-C-G. GRCh37 (hg19) VCF-style: chr9-131864305-C-G.
Other names: c.599G>C, p.Gly200Ala (NM_001257363.3, NM_001346548.2, NM_004003.4); c.665G>C, p.Gly222Ala (NM_001346546.2); c.662G>C, p.Gly221Ala (NM_001346547.2); c.542G>C, p.Gly181Ala (NM_001346549.2); short protein forms G222A, G181A, G200A, G221A.
Identifiers: ClinVar variation 2166509 (VCV002166509.4), dbSNP rs770546253, ClinGen allele CA5275663.